The following is an entry in ClinVar:

ClinVar aggregate classification (germline): Conflicting classifications of pathogenicity. Review status: criteria provided, conflicting classifications (1 of 4 stars). 6 submissions from 6 submitters: Uncertain significance (1); Benign (1); Likely benign (3). 1 of the submissions does not count toward it. Last evaluated 2026-01-27.

Conditions:
PPCS-related disorder. Also called: PPCS-related condition.

Allele frequency attached by ClinVar (database versions not stated): gnomAD 0.00069 and 0.00065; 1000 Genomes Project 30x 0.00016; TOPMed 0.00050; ESP Exome Variant Server 0.00058; ExAC 0.00058.
gnomAD v4.1: 971 of 1,614,144 alleles (0.06%); highest among the groups gnomAD compares: Non-Finnish European, 0.067%; 3 homozygotes.

Submissions (6):

Labcorp Genetics (formerly Invitae), Labcorp
Classification: Benign. Last evaluated: 2026-01-27. Review status: criteria provided, single submitter. Criteria: Invitae Variant Classification Sherloc (09022015). Collection method: clinical testing. Allele origin: germline.

Molecular Diagnostic Laboratory for Inherited Cardiovascular Disease, Montreal Heart Institute
Classification: Likely benign. Last evaluated: 2025-04-09. Review status: criteria provided, single submitter. Criteria: ACMG Guidelines, 2015. Collection method: clinical testing. Allele origin: germline. Affected: no.

Laboratory of Genetics, Children's Clinical University Hospital Latvia
Classification: Likely benign. Last evaluated: 2025-02-16. Review status: criteria provided, single submitter. Criteria: ACMG Guidelines, 2015. Collection method: clinical testing. Allele origin: germline. Affected: yes.

Blueprint Genetics
Classification: Likely benign. Last evaluated: 2024-11-25. Review status: criteria provided, single submitter. Criteria: ACMG Guidelines, 2015. Collection method: clinical testing. Allele origin: germline.

Mayo Clinic Laboratories, Mayo Clinic
Classification: Uncertain significance. Last evaluated: 2024-06-17. Review status: criteria provided, single submitter. Criteria: ACMG Guidelines, 2015. Collection method: clinical testing. Allele origin: germline. Observed: 1 variant allele.

PreventionGenetics, part of Exact Sciences
Classification: Likely benign for PPCS-related condition. Last evaluated: 2020-04-17. Review status: no assertion criteria provided. Collection method: clinical testing. Allele origin: germline. Not counted in ClinVar's aggregate classification.
Comment: This variant is classified as likely benign based on ACMG/AMP sequence variant interpretation guidelines (Richards et al. 2015 PMID: 25741868, with internal and published modifications).

NM_024664.4(PPCS):c.519G>A (p.Ala173=)

Genes: CCDC30 (coiled-coil domain containing 30; plus strand), PPCS (phosphopantothenoylcysteine synthetase; plus strand). Cytogenetic location: 1p34.2.
Variant type: single nucleotide variant.
Coding change: c.519G>A on transcript NM_024664.4 (MANE Select); coding-DNA position 519, G replaced by A.
Protein change: p.Ala173=; no amino-acid change (alanine 173 retained).
Molecular consequence: synonymous variant. On other transcripts: 5 prime UTR variant (7).
Genome position (GRCh38, 1-based): chr1:42,457,257, G>A. VCF-style: chr1-42457257-G-A. GRCh37 (hg19) VCF-style: chr1-42922928-G-A.
Other names: p.Ala173=; c.-973G>A (NM_001355226.2); c.-1G>A (NM_001077447.3, NM_001287506.1, NM_001287508.2 and 2 more transcripts); c.-317G>A (NM_001287507.1); c.519G>A, p.Ala173= (NM_001287511.2); c.519G>A (NM_024664.2).
Identifiers: ClinVar variation 1643066 (VCV001643066.14), dbSNP rs200337358, ClinGen allele CA800007.